The following is an entry in ClinVar:

NM_182961.4(SYNE1):c.24499A>G (p.Ile8167Val)

Gene: SYNE1 (spectrin repeat containing nuclear envelope protein 1; minus strand). Cytogenetic location: 6q25.2.
Variant type: single nucleotide variant.
Coding change: c.24499A>G on transcript NM_182961.4 (MANE Select); coding-DNA position 24499, A replaced by G.
Protein change: p.Ile8167Val; replaces isoleucine 8167 with valine.
Molecular consequence: missense variant.
Genome position (GRCh38, 1-based): chr6:152,149,620, T>C on the plus strand (A>G on the coding strand, the complement: SYNE1 is on the minus strand). VCF-style: chr6-152149620-T-C. GRCh37 (hg19) VCF-style: chr6-152470755-T-C.
Other names: c.1105A>G, p.Ile369Val (NM_001347701.2); c.964A>G, p.Ile322Val (NM_001347702.2); c.24286A>G, p.Ile8096Val (NM_033071.5); short protein forms I8096V, I8167V, I369V, I322V.
Identifiers: ClinVar variation 282769 (VCV000282769.6), dbSNP rs147285387, ClinGen allele CA4053157.
Genomic context (GRCh38, chr6:152,149,620, plus strand): 5'-CCTCGATGATCGCTGCATCCAAGGGCTCACTCTTTTCTATCAGCTGTTCTCCTTGGGCAA[T>C]TATCTGCTCAATCTTATTGTGGTTCAGTGAAATTTCCTGCTGGAAGGCCTAGGGAGTACA-3'
Protein context (NP_892006.3, residues 8157-8177): SLNHNKIEQI[Ile8167Val]AQGEQLIEKS

ClinVar aggregate classification (germline): Uncertain significance. Review status: criteria provided, multiple submitters, no conflicts (2 of 4 stars). 2 submissions from 2 submitters: Uncertain significance (2). Last evaluated 2022-04-18.

Conditions:
Autosomal recessive ataxia, Beauce type. Also called: Spinocerebellar ataxia, autosomal recessive 8; ATAXIA, RECESSIVE, OF BEAUCE; SYNE1-Related Autosomal Recessive Cerebellar Ataxia; SYNE1 Deficiency. Identifiers: Orphanet 88644, MedGen C1853116, MONDO:0012549, OMIM 610743.
Emery-Dreifuss muscular dystrophy 4, autosomal dominant (EDMD4). Also called: EMERY-DREIFUSS MUSCULAR DYSTROPHY 4 WITH VARIABLE FEATURES. Identifiers: Orphanet 261, MedGen C2751807, MONDO:0013071, OMIM 612998.

Allele frequency attached by ClinVar (database versions not stated): ExAC 0.00001; TOPMed 0.00002; gnomAD 0.00003; ESP Exome Variant Server 0.00008.
gnomAD v4.1: 8 of 1,614,070 alleles (0.0005%); highest among the groups gnomAD compares: African/African-American, 0.011%; no homozygotes.

Submissions (2):

Labcorp Genetics (formerly Invitae), Labcorp
Classification: Uncertain significance for Emery-Dreifuss muscular dystrophy 4, autosomal dominant; Autosomal recessive ataxia, Beauce type. Last evaluated: 2022-04-18. Review status: criteria provided, single submitter. Criteria: Invitae Variant Classification Sherloc (09022015). Collection method: clinical testing. Allele origin: germline.
Comment: This sequence change replaces isoleucine, which is neutral and non-polar, with valine, which is neutral and non-polar, at codon 8096 of the SYNE1 protein (p.Ile8096Val). This variant is present in population databases (rs147285387, gnomAD 0.008%). This variant has not been reported in the literature in individuals affected with SYNE1-related conditions. ClinVar contains an entry for this variant (Variation ID: 282769). Algorithms developed to predict the effect of missense changes on protein structure and function are either unavailable or do not agree on the potential impact of this missense change (SIFT: "Deleterious"; PolyPhen-2: "Benign"; Align-GVGD: "Class C0"). In summary, the available evidence is currently insufficient to determine the role of this variant in disease. Therefore, it has been classified as a Variant of Uncertain Significance.

Eurofins Ntd Llc (ga)
Classification: Uncertain significance. Last evaluated: 2015-08-19. Review status: criteria provided, single submitter. Criteria: EGL Classification Definitions 2015. Collection method: clinical testing. Allele origin: germline. Observed: 2 variant alleles, 2 heterozygotes.